The following is an entry in ClinVar:

NM_014055.4(IFT81):c.1345A>G (p.Met449Val)

Gene: IFT81 (intraflagellar transport 81; plus strand). Cytogenetic location: 12q24.11.
Variant type: single nucleotide variant.
Coding change: c.1345A>G on transcript NM_014055.4 (MANE Select); coding-DNA position 1345, A replaced by G.
Protein change: p.Met449Val; replaces methionine 449 with valine.
Molecular consequence: missense variant. On other transcripts: non-coding transcript variant (4).
Genome position (GRCh38, 1-based): chr12:110,190,926, A>G. VCF-style: chr12-110190926-A-G. GRCh37 (hg19) VCF-style: chr12-110628731-A-G.
Other names: c.1345A>G, p.Met449Val (NM_001143779.2); c.415A>G, p.Met139Val (NM_001347947.2, NM_001347948.2); short protein forms M139V, M449V.
Identifiers: ClinVar variation 1496748 (VCV001496748.6), dbSNP rs778372751, ClinGen allele CA6783351.
Genomic context (GRCh38, chr12:110,190,926, plus strand): 5'-GGGAGCCAGCAAGATTTTGACATGTTTTGTGGCCTTTTTATTTTTTACTTATAGCAAACT[A>G]TGGAGGAGAAAAAGGGTATATCTGGATATAGTTACACCCAAGAAGAGCTAGAAAGAGTAT-3'
Protein context (NP_054774.2, residues 439-459): HENIQQQLQT[Met449Val]EEKKGISGYS

ClinVar aggregate classification (germline): Uncertain significance (1 of 4 stars; one submission).

Allele frequency attached by ClinVar (database versions not stated): gnomAD exomes below 0.00001; ExAC 0.00001; TOPMed 0.00001.
gnomAD v4.1: 3 of 1,552,046 alleles (0.00019%); highest among the groups gnomAD compares: Middle Eastern, 0.017%; no homozygotes.

Submission:

Labcorp Genetics (formerly Invitae), Labcorp
Classification: Uncertain significance. Last evaluated: 2023-12-06. Review status: criteria provided, single submitter. Criteria: Invitae Variant Classification Sherloc (09022015). Collection method: clinical testing. Allele origin: germline.
Comment: This sequence change replaces methionine, which is neutral and non-polar, with valine, which is neutral and non-polar, at codon 449 of the IFT81 protein (p.Met449Val). This variant is present in population databases (rs778372751, gnomAD 0.005%). This variant has not been reported in the literature in individuals affected with IFT81-related conditions. ClinVar contains an entry for this variant (Variation ID: 1496748). Advanced modeling of protein sequence and biophysical properties (such as structural, functional, and spatial information, amino acid conservation, physicochemical variation, residue mobility, and thermodynamic stability) performed at Invitae indicates that this missense variant is not expected to disrupt IFT81 protein function with a negative predictive value of 80%. In summary, the available evidence is currently insufficient to determine the role of this variant in disease. Therefore, it has been classified as a Variant of Uncertain Significance.